The following is an entry in ClinVar:

NM_002691.4(POLD1):c.3121-19_3121-18delinsAG

Gene: POLD1 (DNA polymerase delta 1, catalytic subunit; plus strand). Cytogenetic location: 19q13.33.
Variant type: Indel.
Coding change: c.3121-19_3121-18delinsAG on transcript NM_002691.4 (MANE Select); 19 bases into the intron before coding-DNA position 3121 through 18 bases into the intron before coding-DNA position 3121, CA replaced by AG.
Molecular consequence: intron variant.
Genome position (GRCh38, 1-based): chr19:50,417,153-50,417,154, CA replaced by AG. VCF-style: chr19-50417153-CA-AG. GRCh37 (hg19) VCF-style: chr19-50920410-CA-AG.
Other names: c.3121-19_3121-18delinsAG (NM_001256849.1); c.3199-19_3199-18delinsAG (NM_001308632.1).
Identifiers: ClinVar variation 1383238 (VCV001383238.6), dbSNP rs2122505994, ClinGen allele CA2573156776.

ClinVar aggregate classification (germline): Uncertain significance (1 of 4 stars; one submission).

Conditions:
POLD1-related polyposis and colorectal cancer syndrome (CRCS10). Also called: Colorectal cancer, susceptibility to, 10; Colorectal cancer 10; COLORECTAL CANCER, SUSCEPTIBILITY TO, ON CHROMOSOME 19q. Identifiers: Orphanet 220460, MedGen C2675481, MONDO:0012953, OMIM 612591.

Submission:

Labcorp Genetics (formerly Invitae), Labcorp
Classification: Uncertain significance for POLD1-related polyposis and colorectal cancer syndrome. Last evaluated: 2021-12-11. Review status: criteria provided, single submitter. Criteria: Invitae Variant Classification Sherloc (09022015). Collection method: clinical testing. Allele origin: germline.
Comment: This variant has not been reported in the literature in individuals affected with POLD1-related conditions. Studies have shown that this variant is associated with altered splicing, but the impact on the resulting protein product is unknown (Invitae). In summary, the available evidence is currently insufficient to determine the role of this variant in disease. Therefore, it has been classified as a Variant of Uncertain Significance. Information on the frequency of this variant in the gnomAD database is not available, as this variant may be reported differently in the database. This sequence change falls in intron 25 of the POLD1 gene. It does not directly change the encoded amino acid sequence of the POLD1 protein.